The following is an entry in ClinVar:

ClinVar aggregate classification (germline): Pathogenic (1 of 4 stars; one submission).

Allele frequency attached by ClinVar (database versions not stated): gnomAD exomes below 0.00001; ExAC 0.00001.

Submission:

Labcorp Genetics (formerly Invitae), Labcorp
Classification: Pathogenic. Last evaluated: 2020-08-31. Review status: criteria provided, single submitter. Criteria: Invitae Variant Classification Sherloc (09022015). Collection method: clinical testing. Allele origin: germline.
Comment: This sequence change creates a premature translational stop signal (p.Gln327*) in the TUBGCP4 gene. It is expected to result in an absent or disrupted protein product. The frequency data for this variant in the population databases is considered unreliable, as metrics indicate poor data quality at this position in the ExAC database. For these reasons, this variant has been classified as Pathogenic. Loss-of-function variants in TUBGCP4 are known to be pathogenic (PMID: 25817018). This variant has not been reported in the literature in individuals with TUBGCP4-related conditions.

Literature cited by the submitters: PubMed 25817018.

NM_014444.5(TUBGCP4):c.979C>T (p.Gln327Ter)

Gene: TUBGCP4 (tubulin gamma complex component 4; plus strand). Cytogenetic location: 15q15.3.
Variant type: single nucleotide variant.
Coding change: c.979C>T on transcript NM_014444.5 (MANE Select); coding-DNA position 979, C replaced by T.
Protein change: p.Gln327Ter; replaces glutamine 327 with a stop codon.
Molecular consequence: nonsense.
Genome position (GRCh38, 1-based): chr15:43,386,295, C>T. VCF-style: chr15-43386295-C-T. GRCh37 (hg19) VCF-style: chr15-43678493-C-T.
Other names: c.979C>T, p.Gln327Ter (NM_001286414.3); short protein forms Q327*.
Identifiers: ClinVar variation 1071077 (VCV001071077.7), dbSNP rs757367635, ClinGen allele CA7523923.
Genomic context (GRCh38, chr15:43,386,295, plus strand): 5'-TTTGCTGCAGAGCTGCACCGTCTCAAGCAGCAGCCACTCTTCAGCTTGGTGGACTTTGAA[C>T]AGGTGGTGGATCGCATTCGCAGCACTGTGGCTGAGGTTTGTGTTTCATCGTATATATATA-3'